The following is an entry in ClinVar:

NM_022489.4(INF2):c.1177G>A (p.Ala393Thr)

Gene: INF2 (inverted formin 2; plus strand). Cytogenetic location: 14q32.33.
Variant type: single nucleotide variant.
Coding change: c.1177G>A on transcript NM_022489.4 (MANE Select); coding-DNA position 1177, G replaced by A.
Protein change: p.Ala393Thr; replaces alanine 393 with threonine.
Molecular consequence: missense variant.
Genome position (GRCh38, 1-based): chr14:104,707,444, G>A. VCF-style: chr14-104707444-G-A. GRCh37 (hg19) VCF-style: chr14-105173781-G-A.
Other names: c.1177G>A, p.Ala393Thr (NM_001031714.4, NM_001426862.1, NM_001426863.1 and 2 more transcripts); short protein forms A393T.
Identifiers: ClinVar variation 2947299 (VCV002947299.3), dbSNP rs2140667487, ClinGen allele CA391216015.

ClinVar aggregate classification (germline): Uncertain significance (1 of 4 stars; one submission).

Conditions:
Focal segmental glomerulosclerosis 5 (FSGS5). Identifiers: Orphanet 656, MedGen C2750475, MONDO:0013191, OMIM 613237.
Charcot-Marie-Tooth disease dominant intermediate E. Also called: CHARCOT-MARIE-TOOTH NEUROPATHY WITH FOCAL SEGMENTAL GLOMERULONEPHRITIS. Identifiers: Orphanet 93114, MedGen C4302667, MONDO:0013758, OMIM 614455.

Submission:

Labcorp Genetics (formerly Invitae), Labcorp
Classification: Uncertain significance for Charcot-Marie-Tooth disease dominant intermediate E; Focal segmental glomerulosclerosis 5. Last evaluated: 2023-04-29. Review status: criteria provided, single submitter. Criteria: Invitae Variant Classification Sherloc (09022015). Collection method: clinical testing. Allele origin: germline.
Comment: This variant has not been reported in the literature in individuals affected with INF2-related conditions. This variant is not present in population databases (gnomAD no frequency). This sequence change replaces alanine, which is neutral and non-polar, with threonine, which is neutral and polar, at codon 393 of the INF2 protein (p.Ala393Thr). Advanced modeling of protein sequence and biophysical properties (such as structural, functional, and spatial information, amino acid conservation, physicochemical variation, residue mobility, and thermodynamic stability) performed at Invitae indicates that this missense variant is not expected to disrupt INF2 protein function. In summary, the available evidence is currently insufficient to determine the role of this variant in disease. Therefore, it has been classified as a Variant of Uncertain Significance.